The following is an entry in ClinVar:

NM_005236.3(ERCC4):c.2387C>T (p.Pro796Leu)

Gene: ERCC4 (ERCC excision repair 4, endonuclease catalytic subunit; plus strand). Cytogenetic location: 16p13.12.
Variant type: single nucleotide variant.
Coding change: c.2387C>T on transcript NM_005236.3 (MANE Select); coding-DNA position 2387, C replaced by T.
Protein change: p.Pro796Leu; replaces proline 796 with leucine.
Molecular consequence: missense variant.
Genome position (GRCh38, 1-based): chr16:13,947,983, C>T. VCF-style: chr16-13947983-C-T. GRCh37 (hg19) VCF-style: chr16-14041840-C-T.
Other names: short protein forms P796L.
Identifiers: ClinVar variation 1429636 (VCV001429636.8), dbSNP rs1303709169, ClinGen allele CA394823359.

ClinVar aggregate classification (germline): Uncertain significance (1 of 4 stars; one submission).

Conditions:
Xeroderma pigmentosum, group F (XPF). Also called: XERODERMA PIGMENTOSUM VI; XP, GROUP F; XERODERMA PIGMENTOSUM, COMPLEMENTATION GROUP F; ERCC4-Related Xeroderma Pigmentosum; XERODERMA PIGMENTOSUM, TYPE F; Xeroderma pigmentosum, type 6. Identifiers: MedGen C0268140, MONDO:0010215, OMIM 278760.
Fanconi anemia complementation group Q. Identifiers: Orphanet 84, MedGen C3808988, MONDO:0014108, OMIM 615272.
Cockayne syndrome. Identifiers: Orphanet 191, MedGen C0009207, MONDO:0016006.

gnomAD v4.1: 1 of 1,614,120 alleles (0.000062%); highest among the groups gnomAD compares: Non-Finnish European, 0.000085%; no homozygotes.

Submission:

Labcorp Genetics (formerly Invitae), Labcorp
Classification: Uncertain significance for Fanconi anemia complementation group Q; Xeroderma pigmentosum, group F; Cockayne syndrome. Last evaluated: 2021-07-22. Review status: criteria provided, single submitter. Criteria: Invitae Variant Classification Sherloc (09022015). Collection method: clinical testing. Allele origin: germline.
Comment: This sequence change replaces proline with leucine at codon 796 of the ERCC4 protein (p.Pro796Leu). The proline residue is highly conserved and there is a moderate physicochemical difference between proline and leucine. This variant is not present in population databases (ExAC no frequency). This variant has not been reported in the literature in individuals with ERCC4-related conditions. Algorithms developed to predict the effect of missense changes on protein structure and function (SIFT, PolyPhen-2, Align-GVGD) all suggest that this variant is likely to be disruptive, but these predictions have not been confirmed by published functional studies and their clinical significance is uncertain. In summary, the available evidence is currently insufficient to determine the role of this variant in disease. Therefore, it has been classified as a Variant of Uncertain Significance.